The following is an entry in ClinVar:

ClinVar aggregate classification (germline): Uncertain significance. Review status: criteria provided, multiple submitters, no conflicts (2 of 4 stars). 2 submissions from 2 submitters: Uncertain significance (2). Last evaluated 2023-05-23.

Conditions:
Fanconi anemia (FA). Also called: Fanconi's anemia. Identifiers: Orphanet 84, MedGen C0015625, MeSH D005199, MONDO:0019391.
Inborn genetic diseases. Identifiers: MedGen C0950123, MeSH D030342.

gnomAD v4.1: 1 of 1,593,826 alleles (0.000063%); highest among the groups gnomAD compares: Non-Finnish European, 0.000086%; no homozygotes.

Submissions (2):

Ambry Genetics
Classification: Uncertain significance for Inborn genetic diseases. Last evaluated: 2023-05-23. Review status: criteria provided, single submitter. Criteria: Ambry Variant Classification Scheme 2023. Collection method: clinical testing. Allele origin: germline.

Labcorp Genetics (formerly Invitae), Labcorp
Classification: Uncertain significance for Fanconi anemia. Last evaluated: 2021-10-27. Review status: criteria provided, single submitter. Criteria: Invitae Variant Classification Sherloc (09022015). Collection method: clinical testing. Allele origin: germline.
Comment: This sequence change replaces serine, a(n) neutral and polar amino acid, with proline, a(n) neutral and non-polar amino acid, at codon 235 of the FANCL protein (p.Ser235Pro). In summary, the available evidence is currently insufficient to determine the role of this variant in disease. Therefore, it has been classified as a Variant of Uncertain Significance. Algorithms developed to predict the effect of missense changes on protein structure and function (SIFT, PolyPhen-2, Align-GVGD) all suggest that this variant is likely to be tolerated. This variant has not been reported in the literature in individuals affected with FANCL-related conditions. This variant is not present in population databases (gnomAD no frequency).

NM_018062.4(FANCL):c.703T>C (p.Ser235Pro)

Gene: FANCL (FA complementation group L; minus strand). Cytogenetic location: 2p16.1.
Variant type: single nucleotide variant.
Coding change: c.703T>C on transcript NM_018062.4 (MANE Select); coding-DNA position 703, T replaced by C.
Protein change: p.Ser235Pro; replaces serine 235 with proline.
Molecular consequence: missense variant.
Genome position (GRCh38, 1-based): chr2:58,163,506, A>G on the plus strand (T>C on the coding strand, the complement: FANCL is on the minus strand). VCF-style: chr2-58163506-A-G. GRCh37 (hg19) VCF-style: chr2-58390641-A-G.
Other names: c.718T>C, p.Ser240Pro (NM_001114636.2); c.748T>C, p.Ser250Pro (NM_001374615.1); c.763T>C, p.Ser255Pro (NM_001410792.1); short protein forms S235P, S240P, S250P, S255P.
Identifiers: ClinVar variation 1423883 (VCV001423883.6), dbSNP rs1383696633, ClinGen allele CA346936023.